The following is an entry in ClinVar:

NM_014908.4(DOLK):c.1062T>G (p.Phe354Leu)

Gene: DOLK (dolichol kinase; minus strand). Cytogenetic location: 9q34.11.
Variant type: single nucleotide variant.
Coding change: c.1062T>G on transcript NM_014908.4 (MANE Select); coding-DNA position 1062, T replaced by G.
Protein change: p.Phe354Leu; replaces phenylalanine 354 with leucine.
Molecular consequence: missense variant.
Genome position (GRCh38, 1-based): chr9:128,946,242, A>C on the plus strand (T>G on the coding strand, the complement: DOLK is on the minus strand). VCF-style: chr9-128946242-A-C. GRCh37 (hg19) VCF-style: chr9-131708521-A-C.
Other names: short protein forms F354L.
Identifiers: ClinVar variation 3504699 (VCV003504699.1).

ClinVar aggregate classification (germline): Uncertain significance (1 of 4 stars; one submission).

Conditions:
Cardiovascular phenotype. Identifiers: MedGen CN230736.

Submission:

Ambry Genetics
Classification: Uncertain significance for Cardiovascular phenotype. Last evaluated: 2024-10-28. Review status: criteria provided, single submitter. Criteria: Ambry Variant Classification Scheme 2023. Collection method: clinical testing. Allele origin: germline.
Comment: The p.F354L variant (also known as c.1062T>G), located in coding exon 1 of the DOLK gene, results from a T to G substitution at nucleotide position 1062. The phenylalanine at codon 354 is replaced by leucine, an amino acid with highly similar properties. This amino acid position is conserved. In addition, this alteration is predicted to be tolerated by in silico analysis. Based on the available evidence, the clinical significance of this variant remains unclear.